The following is an entry in ClinVar:

NM_002907.4(RECQL):c.1753G>C (p.Ala585Pro)

Genes: PYROXD1 (pyridine nucleotide-disulphide oxidoreductase domain 1; plus strand), RECQL (RecQ like helicase; minus strand). Cytogenetic location: 12p12.1.
Variant type: single nucleotide variant.
Coding change: c.1753G>C on transcript NM_002907.4 (MANE Select); coding-DNA position 1753, G replaced by C.
Protein change: p.Ala585Pro; replaces alanine 585 with proline.
Molecular consequence: missense variant. On other transcripts: 3 prime UTR variant (3).
Genome position (GRCh38, 1-based): chr12:21,471,013, C>G on the plus strand (G>C on the coding strand, the complement: RECQL is on the minus strand). VCF-style: chr12-21471013-C-G. GRCh37 (hg19) VCF-style: chr12-21623947-C-G.
Other names: c.1753G>C, p.Ala585Pro (NM_032941.3); c.*2259C>G (NM_001350912.2, NM_001350913.2, NM_024854.5); short protein forms A585P.
Identifiers: ClinVar variation 5028049 (VCV005028049.1).
Genomic context (GRCh38, chr12:21,471,013, plus strand): 5'-ATTAATAGCCATTTACCCTGAAAGAGTTCTGCGTGGACTTTGTCACTTGCATAGTAATAG[C>G]ATGTGCCTCATTGTTCAGAAGATTAGCTTTAGGTCCTATTTTCAAATACGAAATGGTAGC-3'
Protein context (NP_002898.2, residues 575-595): KANLLNNEAH[Ala585Pro]ITMQVTKSTQ

ClinVar aggregate classification (germline): Uncertain significance (1 of 4 stars; one submission).

Submission:

Ambry Genetics
Classification: Uncertain significance. Last evaluated: 2026-07-28. Review status: criteria provided, single submitter. Criteria: Ambry Variant Classification Scheme 2023. Collection method: clinical testing. Allele origin: germline.
Comment: The p.A585P variant (also known as c.1753G>C), located in coding exon 13 of the RECQL gene, results from a G to C substitution at nucleotide position 1753. The alanine at codon 585 is replaced by proline, an amino acid with highly similar properties. This amino acid position is conserved. In addition, this alteration is predicted to be tolerated by in silico analysis. Based on the available evidence, the clinical significance of this variant remains unclear.